The following is an entry in ClinVar:

ClinVar aggregate classification (germline): Uncertain significance (1 of 4 stars; one submission).

gnomAD v4.1: 5 of 1,613,950 alleles (0.00031%); highest among the groups gnomAD compares: African/African-American, 0.0013%; no homozygotes.

Submission:

GeneDx
Classification: Uncertain significance. Last evaluated: 2024-12-09. Review status: criteria provided, single submitter. Criteria: GeneDx Variant Classification Process June 2021. Collection method: clinical testing. Allele origin: germline. Affected: yes.
Comment: Not observed at significant frequency in large population cohorts (gnomAD); In silico analysis indicates that this missense variant does not alter protein structure/function; Has not been previously published as pathogenic or benign to our knowledge

NM_000130.5(F5):c.6020T>A (p.Phe2007Tyr)

Gene: F5 (coagulation factor V; minus strand). Cytogenetic location: 1q24.2.
Variant type: single nucleotide variant.
Coding change: c.6020T>A on transcript NM_000130.5 (MANE Select); coding-DNA position 6020, T replaced by A.
Protein change: p.Phe2007Tyr; replaces phenylalanine 2007 with tyrosine.
Molecular consequence: missense variant.
Genome position (GRCh38, 1-based): chr1:169,523,225, A>T on the plus strand (T>A on the coding strand, the complement: F5 is on the minus strand). VCF-style: chr1-169523225-A-T. GRCh37 (hg19) VCF-style: chr1-169492463-A-T.
Other names: short protein forms F2007Y.
Identifiers: ClinVar variation 3901475 (VCV003901475.1).